The following is an entry in ClinVar:

ClinVar aggregate classification (germline): Likely benign. Review status: criteria provided, multiple submitters, no conflicts (2 of 4 stars). 4 submissions from 4 submitters: Likely benign (4). Last evaluated 2026-03-11.

Conditions:
Hereditary breast ovarian cancer syndrome. Also called: Hereditary breast and ovarian cancer; Breast and ovarian cancer; BRCA1- and BRCA2-Associated Hereditary Breast and Ovarian Cancer; Hereditary breast and ovarian cancer syndrome; Hereditary breast and/or ovarian cancer syndrome; Hereditary breast and ovarian cancer syndrome (HBOC). Identifiers: Orphanet 145, MedGen C0677776, MeSH D061325, MONDO:0003582. Disease mechanism: loss of function.
Hereditary cancer-predisposing syndrome. Also called: Tumor predisposition; Hereditary neoplastic syndrome; Neoplastic Syndromes, Hereditary; Hereditary Cancer Syndrome. Identifiers: Orphanet 140162, MedGen C0027672, MeSH D009386, MONDO:0015356.

Allele frequency attached by ClinVar (database versions not stated): gnomAD exomes below 0.00001 and 0.00001; gnomAD 0.00001; ExAC 0.00002.
gnomAD v4.1: 6 of 1,599,152 alleles (0.00038%); highest among the groups gnomAD compares: Non-Finnish European, 0.00043%; no homozygotes.

Submissions (4):

Women's Health and Genetics/Laboratory Corporation of America, LabCorp
Classification: Likely benign. Last evaluated: 2026-03-11. Review status: criteria provided, single submitter. Criteria: LabCorp Variant Classification Summary - May 2015. Collection method: clinical testing. Allele origin: germline.
Comment: Variant summary: BRCA2 c.316+18G>A alters a nucleotide located at a position not widely known to affect splicing. Consensus agreement among computation tools predict no significant impact on normal splicing. However, these predictions have yet to be confirmed by functional studies. The variant allele was found at a frequency of 8.1e-06 in 245526 control chromosomes. The available data on variant occurrences in the general population are insufficient to allow any conclusion about variant significance. c.316+18G>A has been observed in individual(s) affected with Hereditary Breast And Ovarian Cancer Syndrome (Tabarestani et al). These report(s) do not provide unequivocal conclusions about association of the variant with Hereditary Breast And Ovarian Cancer Syndrome. To our knowledge, no experimental evidence demonstrating an impact on protein function has been reported. ClinVar contains an entry for this variant (Variation ID: 380288). Based on the evidence outlined above, the variant was classified as likely benign.

Labcorp Genetics (formerly Invitae), Labcorp
Classification: Likely benign for Hereditary breast ovarian cancer syndrome. Last evaluated: 2025-12-05. Review status: criteria provided, single submitter. Criteria: Invitae Variant Classification Sherloc (09022015). Collection method: clinical testing. Allele origin: germline.

GeneDx
Classification: Likely benign. Last evaluated: 2017-10-30. Review status: criteria provided, single submitter. Criteria: GeneDx Variant Classification (06012015). Collection method: clinical testing. Allele origin: germline. Affected: yes.
Comment: This variant is considered likely benign or benign based on one or more of the following criteria: it is a conservative change, it occurs at a poorly conserved position in the protein, it is predicted to be benign by multiple in silico algorithms, and/or has population frequency not consistent with disease.

Color Diagnostics, LLC DBA Color Health
Classification: Likely benign for Hereditary cancer-predisposing syndrome. Last evaluated: 2016-03-28. Review status: criteria provided, single submitter. Criteria: ACMG Guidelines, 2015. Collection method: clinical testing. Allele origin: germline.

NM_000059.4(BRCA2):c.316+18G>A

Gene: BRCA2 (BRCA2 DNA repair associated; plus strand). Cytogenetic location: 13q13.1.
Variant type: single nucleotide variant.
Coding change: c.316+18G>A on transcript NM_000059.4 (MANE Select); 18 bases into the intron after coding-DNA position 316, G replaced by A.
Molecular consequence: intron variant.
Genome position (GRCh38, 1-based): chr13:32,319,343, G>A. VCF-style: chr13-32319343-G-A. GRCh37 (hg19) VCF-style: chr13-32893480-G-A.
Identifiers: ClinVar variation 380288 (VCV000380288.18), dbSNP rs760439858, ClinGen allele CA6940342.
Genomic context (GRCh38, chr13:32,319,343, plus strand): 5'-CAATCTCCTGTAAAAGAATTAGATAAATTCAAATTAGACTTAGGTAAGTAATGCAATATG[G>A]TAGACTGGGGAGAACTACAAACTAGGAATTTAGGCAAACCTGTGTTAAAATCTTAGCTCA-3'